The following is an entry in ClinVar:

ClinVar aggregate classification (germline): Conflicting classifications of pathogenicity. Review status: criteria provided, conflicting classifications (1 of 4 stars). 2 submissions from 2 submitters: Uncertain significance (1); Likely benign (1). Last evaluated 2024-11-08.

Conditions:
Inborn genetic diseases. Identifiers: MedGen C0950123, MeSH D030342.

Allele frequency attached by ClinVar (database versions not stated): ExAC 0.00001; gnomAD exomes 0.00002 and 0.00003; gnomAD 0.00013 and 0.00014; TOPMed 0.00019.

Submissions (2):

Ambry Genetics
Classification: Likely benign for Inborn genetic diseases. Last evaluated: 2024-11-08. Review status: criteria provided, single submitter. Criteria: Ambry Variant Classification Scheme 2023. Collection method: clinical testing. Allele origin: germline.

Labcorp Genetics (formerly Invitae), Labcorp
Classification: Uncertain significance. Last evaluated: 2024-01-22. Review status: criteria provided, single submitter. Criteria: Invitae Variant Classification Sherloc (09022015). Collection method: clinical testing. Allele origin: germline.
Comment: This sequence change replaces arginine, which is basic and polar, with glutamine, which is neutral and polar, at codon 3366 of the HSPG2 protein (p.Arg3366Gln). This variant is present in population databases (rs561008892, gnomAD 0.01%). This variant has not been reported in the literature in individuals affected with HSPG2-related conditions. ClinVar contains an entry for this variant (Variation ID: 1383309). Algorithms developed to predict the effect of missense changes on protein structure and function output the following: SIFT: "Not Available"; PolyPhen-2: "Benign"; Align-GVGD: "Not Available". The glutamine amino acid residue is found in multiple mammalian species, which suggests that this missense change does not adversely affect protein function. In summary, the available evidence is currently insufficient to determine the role of this variant in disease. Therefore, it has been classified as a Variant of Uncertain Significance.

NM_005529.7(HSPG2):c.10097G>A (p.Arg3366Gln)

Gene: HSPG2 (heparan sulfate proteoglycan 2; minus strand). Cytogenetic location: 1p36.12.
Variant type: single nucleotide variant.
Coding change: c.10097G>A on transcript NM_005529.7 (MANE Select); coding-DNA position 10097, G replaced by A.
Protein change: p.Arg3366Gln; replaces arginine 3366 with glutamine.
Molecular consequence: missense variant.
Genome position (GRCh38, 1-based): chr1:21,838,878, C>T on the plus strand (G>A on the coding strand, the complement: HSPG2 is on the minus strand). VCF-style: chr1-21838878-C-T. GRCh37 (hg19) VCF-style: chr1-22165371-C-T.
Other names: c.10100G>A, p.Arg3367Gln (NM_001291860.2); c.10097G>A (NM_005529.5); short protein forms R3367Q, R3366Q.
Identifiers: ClinVar variation 1383309 (VCV001383309.5), dbSNP rs561008892, ClinGen allele CA670228.